The following is an entry in ClinVar:

NM_017654.4(SAMD9):c.4218G>T (p.Lys1406Asn)

Gene: SAMD9 (sterile alpha motif domain containing 9; minus strand). Cytogenetic location: 7q21.2.
Variant type: single nucleotide variant.
Coding change: c.4218G>T on transcript NM_017654.4 (MANE Select); coding-DNA position 4218, G replaced by T.
Protein change: p.Lys1406Asn; replaces lysine 1406 with asparagine.
Molecular consequence: missense variant.
Genome position (GRCh38, 1-based): chr7:93,101,880, C>A on the plus strand (G>T on the coding strand, the complement: SAMD9 is on the minus strand). VCF-style: chr7-93101880-C-A. GRCh37 (hg19) VCF-style: chr7-92731193-C-A.
Other names: c.4218G>T, p.Lys1406Asn (NM_001193307.2); short protein forms K1406N.
Identifiers: ClinVar variation 5028768 (VCV005028768.1).

ClinVar aggregate classification (germline): Uncertain significance (1 of 4 stars; one submission).

Conditions:
Inborn genetic diseases. Identifiers: MedGen C0950123, MeSH D030342.

gnomAD v4.1: 1 of 1,613,678 alleles (0.000062%); highest among the groups gnomAD compares: Admixed American, 0.0017%; no homozygotes.

Submission:

Ambry Genetics
Classification: Uncertain significance for Inborn genetic diseases. Last evaluated: 2026-07-22. Review status: criteria provided, single submitter. Criteria: Ambry Variant Classification Scheme 2023. Collection method: clinical testing. Allele origin: germline.
Comment: The p.K1406N variant (also known as c.4218G>T), located in coding exon 1 of the SAMD9 gene, results from a G to T substitution at nucleotide position 4218. The lysine at codon 1406 is replaced by asparagine, an amino acid with similar properties. This amino acid position is conserved. In addition, this alteration is predicted to be tolerated by in silico analysis. Based on the available evidence, the clinical significance of this variant remains unclear.